The following is an entry in ClinVar:

NM_030930.4(UNC93B1):c.665C>T (p.Ala222Val)

Gene: UNC93B1 (unc-93B1 regulator of TLR signaling; minus strand). Cytogenetic location: 11q13.2.
Variant type: single nucleotide variant.
Coding change: c.665C>T on transcript NM_030930.4 (MANE Select); coding-DNA position 665, C replaced by T.
Protein change: p.Ala222Val; replaces alanine 222 with valine.
Molecular consequence: missense variant.
Genome position (GRCh38, 1-based): chr11:67,999,195, G>A on the plus strand (C>T on the coding strand, the complement: UNC93B1 is on the minus strand). VCF-style: chr11-67999195-G-A. GRCh37 (hg19) VCF-style: chr11-67766665-G-A.
Other names: short protein forms A222V.
Identifiers: ClinVar variation 1479903 (VCV001479903.6), dbSNP rs751449631, ClinGen allele CA381575641.

ClinVar aggregate classification (germline): Uncertain significance (1 of 4 stars; one submission).

Conditions:
Encephalopathy, acute, infection-induced (herpes-specific), susceptibility to, 1. Also called: Herpes simplex encephalitis, susceptibility to, 1. Identifiers: Orphanet 1930, MedGen C2750180, MONDO:0024563, OMIM 610551.

Submission:

Labcorp Genetics (formerly Invitae), Labcorp
Classification: Uncertain significance for Encephalopathy, acute, infection-induced (herpes-specific), susceptibility to, 1. Last evaluated: 2022-07-19. Review status: criteria provided, single submitter. Criteria: Invitae Variant Classification Sherloc (09022015). Collection method: clinical testing. Allele origin: germline.
Comment: In summary, the available evidence is currently insufficient to determine the role of this variant in disease. Therefore, it has been classified as a Variant of Uncertain Significance. Experimental studies and prediction algorithms are not available or were not evaluated, and the functional significance of this variant is currently unknown. ClinVar contains an entry for this variant (Variation ID: 1479903). This variant has not been reported in the literature in individuals affected with UNC93B1-related conditions. This variant is not present in population databases (gnomAD no frequency). This sequence change replaces alanine, which is neutral and non-polar, with valine, which is neutral and non-polar, at codon 222 of the UNC93B1 protein (p.Ala222Val).